The following is an entry in ClinVar:

ClinVar aggregate classification (germline): Benign. Review status: criteria provided, multiple submitters, no conflicts (2 of 4 stars). 2 submissions from 2 submitters: Benign (2). Last evaluated 2018-01-12.

Conditions:
Spinocerebellar ataxia, autosomal recessive, with axonal neuropathy 1 (SCAN1). Identifiers: Orphanet 94124, MedGen C4759870, MONDO:0011801, OMIM 607250.

Allele frequency attached by ClinVar (database versions not stated): gnomAD 0.05895 and 0.05962; TOPMed 0.06237; 1000 Genomes Project 0.07009; 1000 Genomes Project 30x 0.07308.

Submissions (2):

Illumina Laboratory Services, Illumina
Classification: Benign for Spinocerebellar ataxia, autosomal recessive, with axonal neuropathy 1. Last evaluated: 2018-01-12. Review status: criteria provided, single submitter. Criteria: ICSL Variant Classification Criteria 13 December 2019. Collection method: clinical testing. Allele origin: germline.
Comment: This variant was observed in the ICSL laboratory as part of a predisposition screen in an ostensibly healthy population. It had not been previously curated by ICSL or reported in the Human Gene Mutation Database (HGMD: prior to June 1st, 2018), and was therefore a candidate for classification through an automated scoring system. Utilizing variant allele frequency, disease prevalence and penetrance estimates, and inheritance mode, an automated score was calculated to assess if this variant is too frequent to cause the disease. Based on the score and internal cut-off values, a variant classified as benign is not then subjected to further curation. The score for this variant resulted in a classification of benign for this disease.

Breakthrough Genomics
Classification: Benign. Review status: criteria provided, single submitter. Criteria: ACMG Guidelines, 2015. Collection method: not provided. Allele origin: germline. Inheritance: Autosomal recessive inheritance. Affected: yes.

NM_018319.4(TDP1):c.*1448G>A

Gene: TDP1 (tyrosyl-DNA phosphodiesterase 1; plus strand). Cytogenetic location: 14q32.11.
Variant type: single nucleotide variant.
Coding change: c.*1448G>A on transcript NM_018319.4 (MANE Select); 1448 bases downstream of the stop codon, G replaced by A.
Molecular consequence: 3 prime UTR variant.
Genome position (GRCh38, 1-based): chr14:90,044,591, G>A. VCF-style: chr14-90044591-G-A. GRCh37 (hg19) VCF-style: chr14-90510935-G-A.
Other names: c.*1448G>A (NM_001008744.2); c.*1429G>A (NM_001330205.2).
Identifiers: ClinVar variation 314856 (VCV000314856.6), dbSNP rs34004710, ClinGen allele CA10646525.
Genomic context (GRCh38, chr14:90,044,591, plus strand): 5'-CCTCAGAGGCCTAGGATTTTCCAAAAGTACCTTAGGAACCTTGTAGGCTGCAGTGGGGGT[G>A]TGGCGATAGAGCAGGAGGCAGGGAGACAGGGCTGCAGGGCCTCCCACCTTCCAACAGACA-3'